The following is an entry in ClinVar:

NM_002972.4(SBF1):c.2351G>T (p.Gly784Val)

Gene: SBF1 (SET binding factor 1; minus strand). Cytogenetic location: 22q13.33.
Variant type: single nucleotide variant.
Coding change: c.2351G>T on transcript NM_002972.4 (MANE Select); coding-DNA position 2351, G replaced by T.
Protein change: p.Gly784Val; replaces glycine 784 with valine.
Molecular consequence: missense variant.
Genome position (GRCh38, 1-based): chr22:50,462,250, C>A on the plus strand (G>T on the coding strand, the complement: SBF1 is on the minus strand). VCF-style: chr22-50462250-C-A. GRCh37 (hg19) VCF-style: chr22-50900679-C-A.
Other names: c.2354G>T, p.Gly785Val (NM_001365819.1, NM_001410794.1); c.2351G>T, p.Gly784Val (NM_001410795.1); short protein forms G784V, G785V.
Identifiers: ClinVar variation 3666179 (VCV003666179.2).
Genomic context (GRCh38, chr22:50,462,250, plus strand): 5'-CAGTCCCTGCCTCACCTGTTGGTGACCAGGCTGTTGCTGGCGCTCTCCAGGTCGCCCAGC[C>A]CGGCACGCTCCCGAAGTAGGCGGCTCTTGCTGCTGTCCAGGGGCAGGAGGAGGTAGCTCA-3'
Protein context (NP_002963.2, residues 774-794): SKSRLLRERA[Gly784Val]LGDLESASNS

ClinVar aggregate classification (germline): Uncertain significance (1 of 4 stars; one submission).

Submission:

Labcorp Genetics (formerly Invitae), Labcorp
Classification: Uncertain significance. Last evaluated: 2024-12-16. Review status: criteria provided, single submitter. Criteria: Invitae Variant Classification Sherloc (09022015). Collection method: clinical testing. Allele origin: germline.
Comment: This sequence change replaces glycine, which is neutral and non-polar, with valine, which is neutral and non-polar, at codon 784 of the SBF1 protein (p.Gly784Val). This variant is not present in population databases (gnomAD no frequency). This variant has not been reported in the literature in individuals affected with SBF1-related conditions. Invitae Evidence Modeling of protein sequence and biophysical properties (such as structural, functional, and spatial information, amino acid conservation, physicochemical variation, residue mobility, and thermodynamic stability) indicates that this missense variant is not expected to disrupt SBF1 protein function with a negative predictive value of 80%. In summary, the available evidence is currently insufficient to determine the role of this variant in disease. Therefore, it has been classified as a Variant of Uncertain Significance.